The following is an entry in ClinVar:

NM_001079.4(ZAP70):c.1225G>T (p.Ala409Ser)

Gene: ZAP70 (zeta chain of T cell receptor associated protein kinase 70; plus strand). Cytogenetic location: 2q11.2.
Variant type: single nucleotide variant.
Coding change: c.1225G>T on transcript NM_001079.4 (MANE Select); coding-DNA position 1225, G replaced by T.
Protein change: p.Ala409Ser; replaces alanine 409 with serine.
Molecular consequence: missense variant.
Genome position (GRCh38, 1-based): chr2:97,735,392, G>T. VCF-style: chr2-97735392-G-T. GRCh37 (hg19) VCF-style: chr2-98351855-G-T.
Other names: c.1225G>T, p.Ala409Ser (NM_001378594.1); c.304G>T, p.Ala102Ser (NM_207519.2); short protein forms A102S, A409S.
Identifiers: ClinVar variation 1041497 (VCV001041497.9), dbSNP rs150323148, ClinGen allele CA52561620.

ClinVar aggregate classification (germline): Uncertain significance (1 of 4 stars; one submission).

Conditions:
Combined immunodeficiency due to ZAP70 deficiency (IMD48). Also called: Immunodeficiency 48; ZAP70 Deficiency. Identifiers: Orphanet 911, MedGen C2931299, MONDO:0010023, OMIM 269840.

Allele frequency attached by ClinVar (database versions not stated): ESP Exome Variant Server 0.00008; TOPMed 0.00001; gnomAD 0.00002 and 0.00001.
gnomAD v4.1: 3 of 1,613,954 alleles (0.00019%); highest among the groups gnomAD compares: African/African-American, 0.0027%; no homozygotes.

Submission:

Labcorp Genetics (formerly Invitae), Labcorp
Classification: Uncertain significance for Combined immunodeficiency due to ZAP70 deficiency. Last evaluated: 2022-05-07. Review status: criteria provided, single submitter. Criteria: Invitae Variant Classification Sherloc (09022015). Collection method: clinical testing. Allele origin: germline.
Comment: In summary, the available evidence is currently insufficient to determine the role of this variant in disease. Therefore, it has been classified as a Variant of Uncertain Significance. Algorithms developed to predict the effect of missense changes on protein structure and function are either unavailable or do not agree on the potential impact of this missense change (SIFT: "Not Available"; PolyPhen-2: "Benign"; Align-GVGD: "Not Available"). This sequence change replaces alanine, which is neutral and non-polar, with serine, which is neutral and polar, at codon 409 of the ZAP70 protein (p.Ala409Ser). This variant is present in population databases (rs150323148, gnomAD 0.01%). This variant has not been reported in the literature in individuals affected with ZAP70-related conditions. ClinVar contains an entry for this variant (Variation ID: 1041497).